The following is an entry in ClinVar:

GRCh37/hg19 15q11.2-13.1(chr15:22876919-28561671)x1

Genes: ATP10A (ATPase phospholipid transporting 10A (putative); minus strand), CYFIP1 (cytoplasmic FMR1 interacting protein 1; minus strand), GABRA5 (gamma-aminobutyric acid type A receptor subunit alpha5; plus strand), GABRB3 (gamma-aminobutyric acid type A receptor subunit beta3; minus strand), GABRG3 (gamma-aminobutyric acid type A receptor subunit gamma3; plus strand) and 22 more. Cytogenetic location: 15q11.2-13.1.
Variant type: copy number loss.
Change: copy number 1 (one copy instead of two) of chr15:22,876,919-28,561,671 (5.68 Mb, GRCh37 coordinates, 1-based), cytogenetic band 15q11.2-13.1.
Identifiers: ClinVar variation 564151 (VCV000564151.3).

ClinVar aggregate classification (germline): Pathogenic (1 of 4 stars; one submission).

Submission:

Quest Diagnostics Nichols Institute San Juan Capistrano
Classification: Pathogenic. Last evaluated: 2025-05-13. Review status: criteria provided, single submitter. Criteria: ACMG/ClinGen CNV Guidelines, 2019. Collection method: clinical testing. Allele origin: unknown.
Comment: This 15q11.2q13.1 recurrent deletion interval (BP1-BP3; ISCA-37404) involves at least 21 protein-coding genes, and is associated with either Angelman syndrome (AS; OMIM 105830) or Prader-Willi syndrome (PWS; OMIM 176270), depending on the parent of origin for the deleted chromosome 15 segment. See GeneReviews for additional information and references (Dagli 2021, Driscoll 2023). References: Dagli et al. Angelman Syndrome. GeneReviews [updated 2021 Apr 22]. PMID 20301323 Driscoll et al. Prader-Willi Syndrome. GeneReviews [updated 2023 Nov 2]. PMID 20301505